The following is an entry in ClinVar:

NM_001382567.1(STIM1):c.458C>T (p.Thr153Ile)

Gene: STIM1 (stromal interaction molecule 1; plus strand). Cytogenetic location: 11p15.4.
Variant type: single nucleotide variant.
Coding change: c.458C>T on transcript NM_001382567.1 (MANE Select); coding-DNA position 458, C replaced by T.
Protein change: p.Thr153Ile; replaces threonine 153 with isoleucine.
Molecular consequence: missense variant. On other transcripts: 5 prime UTR variant (2), non-coding transcript variant (3), intron variant (2).
Genome position (GRCh38, 1-based): chr11:4,055,598, C>T. VCF-style: chr11-4055598-C-T. GRCh37 (hg19) VCF-style: chr11-4076828-C-T.
Other names: c.458C>T, p.Thr153Ile (NM_001277961.3, NM_001277962.2, NM_001382568.1 and 2 more transcripts); c.236C>T, p.Thr79Ile (NM_001382566.1, NM_001382573.1, NM_001382574.1 and 5 more transcripts); c.323C>T, p.Thr108Ile (NM_001382569.1); c.-32C>T (NM_001382580.1, NM_001382581.1); c.386-14428C>T (NM_001382570.1); c.18-3683C>T (NM_001382571.1); short protein forms T153I, T108I, T79I.
Identifiers: ClinVar variation 461734 (VCV000461734.18), dbSNP rs144602692, ClinGen allele CA5830223.

ClinVar aggregate classification (germline): Uncertain significance. Review status: criteria provided, multiple submitters, no conflicts (2 of 4 stars). 8 submissions from 7 submitters: Uncertain significance (8). Last evaluated 2025-12-24.

Conditions:
Combined immunodeficiency due to STIM1 deficiency. Also called: STIM1 DEFICIENCY; IMMUNODEFICIENCY 10. Identifiers: Orphanet 169090, Orphanet 317430, MedGen C2748557, MONDO:0013008, OMIM 612783.
Myopathy with tubular aggregates (TAM). Also called: Tubular Aggregate Myopathy. Identifiers: Orphanet 2593, MedGen C0410207, MONDO:0008051.
Stormorken syndrome (STRMK). Also called: THROMBOCYTOPATHY, ASPLENIA, AND MIOSIS. Identifiers: Orphanet 3204, MedGen C1861451, MONDO:0008497, OMIM 185070.
Myopathy, tubular aggregate, 1 (TAM1). Identifiers: MedGen C4011726, MONDO:0024531, OMIM 160565.

Allele frequency attached by ClinVar (database versions not stated): 1000 Genomes Project 30x 0.00016; 1000 Genomes Project 0.00020; gnomAD exomes 0.00020 and 0.00032; gnomAD 0.00022; TOPMed 0.00024; ExAC 0.00037; ESP Exome Variant Server 0.00038.
gnomAD v4.1: 478 of 1,598,430 alleles (0.03%); highest among the groups gnomAD compares: Non-Finnish European, 0.038%; no homozygotes.

Submissions (8):

Labcorp Genetics (formerly Invitae), Labcorp
Classification: Uncertain significance for Myopathy with tubular aggregates; Combined immunodeficiency due to STIM1 deficiency; Stormorken syndrome. Last evaluated: 2025-12-24. Review status: criteria provided, single submitter. Criteria: Invitae Variant Classification Sherloc (09022015). Collection method: clinical testing. Allele origin: germline.
Comment: This sequence change replaces threonine, which is neutral and polar, with isoleucine, which is neutral and non-polar, at codon 153 of the STIM1 protein (p.Thr153Ile). This variant is present in population databases (rs144602692, gnomAD 0.03%). This variant has not been reported in the literature in individuals affected with STIM1-related conditions. ClinVar contains an entry for this variant (Variation ID: 461734). Invitae Evidence Modeling of protein sequence and biophysical properties (such as structural, functional, and spatial information, amino acid conservation, physicochemical variation, residue mobility, and thermodynamic stability) has been performed for this missense variant. However, the output from this modeling did not meet the statistical confidence thresholds required to predict the impact of this variant on STIM1 protein function. In summary, the available evidence is currently insufficient to determine the role of this variant in disease. Therefore, it has been classified as a Variant of Uncertain Significance.

Blueprint Genetics
Classification: Uncertain significance. Last evaluated: 2024-11-27. Review status: criteria provided, single submitter. Criteria: ACMG Guidelines, 2015. Collection method: clinical testing. Allele origin: germline.

Revvity Omics, Revvity
Classification: Uncertain significance. Last evaluated: 2024-10-07. Review status: criteria provided, single submitter. Criteria: ACMG Guidelines, 2015. Collection method: clinical testing. Allele origin: germline.

New York Genome Center
Classification: Uncertain significance for Myopathy, tubular aggregate, 1. Last evaluated: 2023-04-21. Review status: criteria provided, single submitter. Criteria: NYGC Assertion Criteria 2020. Collection method: clinical testing. Allele origin: germline. Observed: 1 heterozygote.
Comment: The c.458C>T variant in STIM1 has not previously been reported in the literature in individuals affected with STIM1-related conditions but it has been deposited in ClinVar as Variant of Uncertain Significance by multiple submitters [ClinVar ID: 461734]. The c.458C>T variant is observed in 171 alleles (~0.022% minor allele frequency with 0 homozygotes) in population databases (gnomAD v2.1.1 and v3.1.2, TOPMed Freeze 8), suggesting it is not a common benign variant in the populations represented in those databases, however, it is uncertain whether this frequency is higher than the disease prevalence or there might be individuals with subtle and slowly progressing symptoms among the variant carriers in those databases. The c.458C>T variant in STIM1 is located in exon 4 of this 12-exon gene and predicted to replace a moderately conserved threonine amino acid with isoleucine at position 153 in the SAM domain of the encoded protein. In silico predictions are not in favor of damaging effect for the p.(Thr153Ile) variant [(CADD v1.6 = 23, REVEL =0.328)]. In vitro studies conducted with this variant are inconclusive [PMID:33468626]. Based on available evidence this c.458C>T p.(Thr153Ile) variant identified in STIM1 is classified as a Variant of Uncertain Significance.

GeneDx
Classification: Uncertain significance. Last evaluated: 2022-06-23. Review status: criteria provided, single submitter. Criteria: GeneDx Variant Classification Process June 2021. Collection method: clinical testing. Allele origin: germline. Affected: yes.
Comment: In silico analysis supports that this missense variant has a deleterious effect on protein structure/function; Reported in both affected and unaffected individuals in a case-control study of patients with pancreatitis (Masson et al., 2019).; This variant is associated with the following publications: (PMID: Masson2019[casereport], 33468626)

ARUP Laboratories, Molecular Genetics and Genomics, ARUP Laboratories
Classification: Uncertain significance. Last evaluated: 2022-03-17. Review status: criteria provided, single submitter. Criteria: ARUP Molecular Germline Variant Investigation Process 2021. Collection method: clinical testing. Allele origin: germline.

New York Genome Center
Classification: Uncertain significance for Combined immunodeficiency due to STIM1 deficiency. Last evaluated: 2020-06-05. Review status: criteria provided, single submitter. Criteria: NYGC Assertion Criteria 2020. Collection method: clinical testing. Allele origin: paternal. Inheritance: Autosomal recessive inheritance. Observed: 1 compound heterozygote. Study: CSER-NYCKidSeq.

Breakthrough Genomics
Classification: Uncertain significance. Review status: criteria provided, single submitter. Criteria: ACMG Guidelines, 2015. Collection method: not provided. Allele origin: germline. Inheritance: Autosomal recessive inheritance. Affected: yes.